The following is an entry in ClinVar:

ClinVar aggregate classification (germline): Uncertain significance. Review status: criteria provided, multiple submitters, no conflicts (2 of 4 stars). 3 submissions from 3 submitters: Uncertain significance (3). Last evaluated 2025-03-31.

Conditions:
Medulloblastoma (MDB). Also called: Medulloblastoma, somatic; MEDULLOBLASTOMA PREDISPOSITION SYNDROME. Identifiers: Orphanet 616, MedGen C0025149, MeSH D008527, MONDO:0007959, OMIM 155255, HP:0002885.
Familial dysautonomia. Also called: FD; HSAN III. Identifiers: Orphanet 1764, MedGen C0013364, MONDO:0009131, OMIM 223900. Disease mechanism: loss of function.

Allele frequency attached by ClinVar (database versions not stated): ExAC 0.00002; gnomAD exomes 0.00002; TOPMed 0.00008; gnomAD 0.00009; 1000 Genomes Project 30x 0.00031; 1000 Genomes Project 0.00040.
gnomAD v4.1: 22 of 1,613,740 alleles (0.0014%); highest among the groups gnomAD compares: African/African-American, 0.029%; no homozygotes.

Submissions (3):

Ambry Genetics
Classification: Uncertain significance. Last evaluated: 2025-03-31. Review status: criteria provided, single submitter. Criteria: Ambry Variant Classification Scheme 2023. Collection method: clinical testing. Allele origin: germline.

Labcorp Genetics (formerly Invitae), Labcorp
Classification: Uncertain significance. Last evaluated: 2022-09-06. Review status: criteria provided, single submitter. Criteria: Invitae Variant Classification Sherloc (09022015). Collection method: clinical testing. Allele origin: germline.
Comment: This sequence change replaces glycine, which is neutral and non-polar, with arginine, which is basic and polar, at codon 162 of the ELP1 protein (p.Gly162Arg). This variant is present in population databases (rs565257577, gnomAD 0.03%). This variant has not been reported in the literature in individuals affected with ELP1-related conditions. ClinVar contains an entry for this variant (Variation ID: 1500743). Algorithms developed to predict the effect of missense changes on protein structure and function are either unavailable or do not agree on the potential impact of this missense change (SIFT: "Deleterious"; PolyPhen-2: "Probably Damaging"; Align-GVGD: "Class C15"). In summary, the available evidence is currently insufficient to determine the role of this variant in disease. Therefore, it has been classified as a Variant of Uncertain Significance.

Fulgent Genetics
Classification: Uncertain significance for Medulloblastoma; Familial dysautonomia. Last evaluated: 2022-02-16. Review status: criteria provided, single submitter. Criteria: ACMG Guidelines, 2015. Collection method: clinical testing. Allele origin: unknown.

NM_003640.5(ELP1):c.484G>C (p.Gly162Arg)

Gene: ELP1 (elongator acetyltransferase complex subunit 1; minus strand). Cytogenetic location: 9q31.3.
Variant type: single nucleotide variant.
Coding change: c.484G>C on transcript NM_003640.5 (MANE Select); coding-DNA position 484, G replaced by C.
Protein change: p.Gly162Arg; replaces glycine 162 with arginine.
Molecular consequence: missense variant. On other transcripts: 5 prime UTR variant (1).
Genome position (GRCh38, 1-based): chr9:108,922,910, C>G on the plus strand (G>C on the coding strand, the complement: ELP1 is on the minus strand). VCF-style: chr9-108922910-C-G. GRCh37 (hg19) VCF-style: chr9-111685190-C-G.
Other names: c.484G>C (NM_003640.3); c.142G>C, p.Gly48Arg (NM_001318360.2); c.-376G>C (NM_001330749.2); short protein forms G48R, G162R.
Identifiers: ClinVar variation 1500743 (VCV001500743.8), dbSNP rs565257577, ClinGen allele CA5175334.